The following is an entry in ClinVar:

ClinVar aggregate classification (germline): Uncertain significance. Review status: criteria provided, multiple submitters, no conflicts (2 of 4 stars). 2 submissions from 2 submitters: Uncertain significance (2). Last evaluated 2023-07-27.

Conditions:
Progressive sclerosing poliodystrophy (MTDPS4A). Also called: NEURONAL DEGENERATION OF CHILDHOOD WITH LIVER DISEASE, PROGRESSIVE; Alpers-Huttenlocher Syndrome (AHS); ALPERS PROGRESSIVE INFANTILE POLIODYSTROPHY; Mitochondrial DNA Depletion Syndrome 4A; Alpers Syndrome; ALPERS DIFFUSE DEGENERATION OF CEREBRAL GRAY MATTER WITH HEPATIC CIRRHOSIS. Identifiers: Orphanet 726, MedGen C0205710, MONDO:0008758, OMIM 203700.

gnomAD v4.1: 1 of 1,613,834 alleles (0.000062%); no homozygotes.

Submissions (2):

GeneDx
Classification: Uncertain significance. Last evaluated: 2023-07-27. Review status: criteria provided, single submitter. Criteria: GeneDx Variant Classification Process June 2021. Collection method: clinical testing. Allele origin: germline. Affected: yes.
Comment: Not observed at significant frequency in large population cohorts (gnomAD); In silico analysis supports that this missense variant does not alter protein structure/function; Has not been previously published as pathogenic or benign to our knowledge

Labcorp Genetics (formerly Invitae), Labcorp
Classification: Uncertain significance for Progressive sclerosing poliodystrophy. Last evaluated: 2021-09-01. Review status: criteria provided, single submitter. Criteria: Invitae Variant Classification Sherloc (09022015). Collection method: clinical testing. Allele origin: germline.
Comment: This sequence change replaces glutamine with histidine at codon 729 of the POLG protein (p.Gln729His). The glutamine residue is moderately conserved and there is a small physicochemical difference between glutamine and histidine. This variant is not present in population databases (ExAC no frequency). This variant has not been reported in the literature in individuals affected with POLG-related conditions. Algorithms developed to predict the effect of missense changes on protein structure and function (SIFT, PolyPhen-2, Align-GVGD) all suggest that this variant is likely to be tolerated. In summary, the available evidence is currently insufficient to determine the role of this variant in disease. Therefore, it has been classified as a Variant of Uncertain Significance.

NM_002693.3(POLG):c.2187G>C (p.Gln729His)

Gene: POLG (DNA polymerase gamma, catalytic subunit; minus strand). Cytogenetic location: 15q26.1.
Variant type: single nucleotide variant.
Coding change: c.2187G>C on transcript NM_002693.3 (MANE Select); coding-DNA position 2187, G replaced by C.
Protein change: p.Gln729His; replaces glutamine 729 with histidine.
Molecular consequence: missense variant.
Genome position (GRCh38, 1-based): chr15:89,323,482, C>G on the plus strand (G>C on the coding strand, the complement: POLG is on the minus strand). VCF-style: chr15-89323482-C-G. GRCh37 (hg19) VCF-style: chr15-89866713-C-G.
Other names: c.2187G>C, p.Gln729His (NM_001126131.2); c.2187G>C (NM_002693.2); short protein forms Q729H.
Identifiers: ClinVar variation 1057248 (VCV001057248.9), dbSNP rs539787090, ClinGen allele CA393756848.